The following is an entry in ClinVar:

ClinVar aggregate classification (germline): Uncertain significance (1 of 4 stars; one submission).

Conditions:
Hereditary sensory and autonomic neuropathy type 6. Also called: Neuropathy, hereditary sensory and autonomic, type VI; HSAN VI. Identifiers: Orphanet 314381, MedGen C3539003, MONDO:0013839, OMIM 614653.
Epidermolysis bullosa simplex 3, localized or generalized intermediate, with BP230 deficiency (EBS3). Also called: Epidermolysis bullosa simplex due to BP230 deficiency; Epidermolysis bullosa simplex, autosomal recessive 2. Identifiers: Orphanet 412181, MedGen C3809470, MONDO:0014180, OMIM 615425.

Submission:

Labcorp Genetics (formerly Invitae), Labcorp
Classification: Uncertain significance for Epidermolysis bullosa simplex 3, localized or generalized intermediate, with BP230 deficiency; Hereditary sensory and autonomic neuropathy type 6. Last evaluated: 2022-03-18. Review status: criteria provided, single submitter. Criteria: Invitae Variant Classification Sherloc (09022015). Collection method: clinical testing. Allele origin: germline.
Comment: Experimental studies and prediction algorithms are not available or were not evaluated, and the functional significance of this variant is currently unknown. In summary, the available evidence is currently insufficient to determine the role of this variant in disease. Therefore, it has been classified as a Variant of Uncertain Significance. This variant has not been reported in the literature in individuals affected with DST-related conditions. This variant is not present in population databases (gnomAD no frequency). This sequence change replaces serine, which is neutral and polar, with cysteine, which is neutral and slightly polar, at codon 1832 of the DST protein (p.Ser1832Cys). The DST gene has multiple clinically relevant transcripts. This variant occurs in alternate transcript NM_015548.4, and corresponds to NM_001723.5:c.*42580C>G in the primary transcript.

NM_001374736.1(DST):c.13364C>G (p.Ser4455Cys)

Gene: DST (dystonin; minus strand). Cytogenetic location: 6p12.1.
Variant type: single nucleotide variant.
Coding change: c.13364C>G on transcript NM_001374736.1 (MANE Select); coding-DNA position 13364, C replaced by G.
Protein change: p.Ser4455Cys; replaces serine 4455 with cysteine.
Molecular consequence: missense variant.
Genome position (GRCh38, 1-based): chr6:56,572,937, G>C on the plus strand (C>G on the coding strand, the complement: DST is on the minus strand). VCF-style: chr6-56572937-G-C. GRCh37 (hg19) VCF-style: chr6-56437735-G-C.
Other names: c.7007C>G, p.Ser2336Cys (NM_001144769.5); c.6593C>G, p.Ser2198Cys (NM_001144770.2); c.13364C>G, p.Ser4455Cys (NM_001374722.1); c.12731C>G, p.Ser4244Cys (NM_001374729.1); c.6473C>G, p.Ser2158Cys (NM_001374730.1, NM_001386100.1, NM_183380.4); c.13391C>G, p.Ser4464Cys (NM_001374734.1); c.5495C>G, p.Ser1832Cys (NM_015548.5); short protein forms S1832C, S2158C, S2198C, S2336C, S4244C, S4455C, S4464C.
Identifiers: ClinVar variation 1052853 (VCV001052853.12), dbSNP rs375258517, ClinGen allele CA139213170.